The following is an entry in ClinVar:

NM_005876.5(SPEG):c.3442T>A (p.Ser1148Thr)

Gene: SPEG (striated muscle enriched protein kinase; plus strand). Cytogenetic location: 2q35.
Variant type: single nucleotide variant.
Coding change: c.3442T>A on transcript NM_005876.5 (MANE Select); coding-DNA position 3442, T replaced by A.
Protein change: p.Ser1148Thr; replaces serine 1148 with threonine.
Molecular consequence: missense variant.
Genome position (GRCh38, 1-based): chr2:219,468,999, T>A. VCF-style: chr2-219468999-T-A. GRCh37 (hg19) VCF-style: chr2-220333721-T-A.
Other names: short protein forms S1148T.
Identifiers: ClinVar variation 2103238 (VCV002103238.4), dbSNP rs1691629925, ClinGen allele CA350747319.

ClinVar aggregate classification (germline): Uncertain significance (1 of 4 stars; one submission).

Allele frequency attached by ClinVar (database versions not stated): TOPMed below 0.00001.
gnomAD v4.1: 1 of 1,613,830 alleles (0.000062%); no homozygotes.

Submission:

Labcorp Genetics (formerly Invitae), Labcorp
Classification: Uncertain significance. Last evaluated: 2022-03-04. Review status: criteria provided, single submitter. Criteria: Invitae Variant Classification Sherloc (09022015). Collection method: clinical testing. Allele origin: germline.
Comment: In summary, the available evidence is currently insufficient to determine the role of this variant in disease. Therefore, it has been classified as a Variant of Uncertain Significance. This sequence change replaces serine, which is neutral and polar, with threonine, which is neutral and polar, at codon 1148 of the SPEG protein (p.Ser1148Thr). This variant is not present in population databases (gnomAD no frequency). This variant has not been reported in the literature in individuals affected with SPEG-related conditions. Algorithms developed to predict the effect of missense changes on protein structure and function are either unavailable or do not agree on the potential impact of this missense change (SIFT: "Tolerated"; PolyPhen-2: "Possibly Damaging"; Align-GVGD: "Class C0").